The following is an entry in ClinVar:

NM_000153.4(GALC):c.1221A>T (p.Gln407His)

Gene: GALC (galactosylceramidase; minus strand). Cytogenetic location: 14q31.3.
Variant type: single nucleotide variant.
Coding change: c.1221A>T on transcript NM_000153.4 (MANE Select); coding-DNA position 1221, A replaced by T.
Protein change: p.Gln407His; replaces glutamine 407 with histidine.
Molecular consequence: missense variant.
Genome position (GRCh38, 1-based): chr14:87,950,689, T>A on the plus strand (A>T on the coding strand, the complement: GALC is on the minus strand). VCF-style: chr14-87950689-T-A. GRCh37 (hg19) VCF-style: chr14-88417033-T-A.
Other names: c.1152A>T, p.Gln384His (NM_001201401.2); c.1143A>T, p.Gln381His (NM_001201402.2); short protein forms Q384H, Q381H, Q407H.
Identifiers: ClinVar variation 2147518 (VCV002147518.4), dbSNP rs747714175, ClinGen allele CA7297094.

ClinVar aggregate classification (germline): Uncertain significance (1 of 4 stars; one submission).

Conditions:
Galactosylceramide beta-galactosidase deficiency. Also called: Leukodystrophy, Globoid Cell; GALACTOCEREBROSIDASE DEFICIENCY; GALC DEFICIENCY; GLOBOID CELL LEUKOENCEPHALOPATHY; Krabbe Disease. Identifiers: Orphanet 487, MedGen C0023521, MONDO:0009499, OMIM 245200.

Allele frequency attached by ClinVar (database versions not stated): ExAC 0.00001.
gnomAD v4.1: 4 of 1,607,368 alleles (0.00025%); highest among the groups gnomAD compares: Admixed American, 0.0067%; no homozygotes.

Submission:

Labcorp Genetics (formerly Invitae), Labcorp
Classification: Uncertain significance for Galactosylceramide beta-galactosidase deficiency. Last evaluated: 2025-02-24. Review status: criteria provided, single submitter. Criteria: Invitae Variant Classification Sherloc (09022015). Collection method: clinical testing. Allele origin: germline.
Comment: This sequence change replaces glutamine, which is neutral and polar, with histidine, which is basic and polar, at codon 407 of the GALC protein (p.Gln407His). This variant is present in population databases (rs747714175, gnomAD 0.01%). This variant has not been reported in the literature in individuals affected with GALC-related conditions. ClinVar contains an entry for this variant (Variation ID: 2147518). Invitae Evidence Modeling of protein sequence and biophysical properties (such as structural, functional, and spatial information, amino acid conservation, physicochemical variation, residue mobility, and thermodynamic stability) has been performed for this missense variant. However, the output from this modeling did not meet the statistical confidence thresholds required to predict the impact of this variant on GALC protein function. In summary, the available evidence is currently insufficient to determine the role of this variant in disease. Therefore, it has been classified as a Variant of Uncertain Significance.